The following is an entry in ClinVar:

ClinVar aggregate classification (germline): Uncertain significance (1 of 4 stars; one submission).

gnomAD v4.1: 2 of 1,614,080 alleles (0.00012%); highest among the groups gnomAD compares: African/African-American, 0.0027%; no homozygotes.

Submission:

GeneDx
Classification: Uncertain significance. Last evaluated: 2025-04-16. Review status: criteria provided, single submitter. Criteria: GeneDx Variant Classification Process June 2021. Collection method: clinical testing. Allele origin: germline. Affected: yes.
Comment: Not observed at significant frequency in large population cohorts (gnomAD); In silico analysis supports that this missense variant has a deleterious effect on protein structure/function; Has not been previously published as pathogenic or benign to our knowledge

NM_001991.5(EZH1):c.1118C>G (p.Ser373Cys)

Gene: EZH1 (enhancer of zeste 1 polycomb repressive complex 2 subunit; minus strand). Cytogenetic location: 17q21.2.
Variant type: single nucleotide variant.
Coding change: c.1118C>G on transcript NM_001991.5 (MANE Select); coding-DNA position 1118, C replaced by G.
Protein change: p.Ser373Cys; replaces serine 373 with cysteine.
Molecular consequence: missense variant.
Genome position (GRCh38, 1-based): chr17:42,713,295, G>C on the plus strand (C>G on the coding strand, the complement: EZH1 is on the minus strand). VCF-style: chr17-42713295-G-C. GRCh37 (hg19) VCF-style: chr17-40865313-G-C.
Other names: c.1136C>G, p.Ser379Cys (NM_001321079.2); c.1091C>G, p.Ser364Cys (NM_001321081.2); c.998C>G, p.Ser333Cys (NM_001321082.2); short protein forms S333C, S364C, S373C, S379C.
Identifiers: ClinVar variation 4282238 (VCV004282238.1).